The following is an entry in ClinVar:

NM_020433.5(JPH2):c.680T>G (p.Leu227Arg)

Gene: JPH2 (junctophilin 2; minus strand). Cytogenetic location: 20q13.12.
Variant type: single nucleotide variant.
Coding change: c.680T>G on transcript NM_020433.5 (MANE Select); coding-DNA position 680, T replaced by G.
Protein change: p.Leu227Arg; replaces leucine 227 with arginine.
Molecular consequence: missense variant.
Genome position (GRCh38, 1-based): chr20:44,160,107, A>C on the plus strand (T>G on the coding strand, the complement: JPH2 is on the minus strand). VCF-style: chr20-44160107-A-C. GRCh37 (hg19) VCF-style: chr20-42788747-A-C.
Other names: short protein forms L227R.
Identifiers: ClinVar variation 2692954 (VCV002692954.3), dbSNP rs1371285650, ClinGen allele CA409093897.

ClinVar aggregate classification (germline): Uncertain significance (1 of 4 stars; one submission).

Conditions:
Hypertrophic cardiomyopathy. Also called: HYPERTROPHIC MYOCARDIOPATHY. Identifiers: Orphanet 217569, MedGen C0007194, MeSH D002312, MONDO:0005045, HP:0001639.

Submission:

Labcorp Genetics (formerly Invitae), Labcorp
Classification: Uncertain significance for Hypertrophic cardiomyopathy. Last evaluated: 2023-11-03. Review status: criteria provided, single submitter. Criteria: Invitae Variant Classification Sherloc (09022015). Collection method: clinical testing. Allele origin: germline.
Comment: This sequence change replaces leucine, which is neutral and non-polar, with arginine, which is basic and polar, at codon 227 of the JPH2 protein (p.Leu227Arg). This variant is not present in population databases (gnomAD no frequency). This variant has not been reported in the literature in individuals affected with JPH2-related conditions. An algorithm developed to predict the effect of missense changes on protein structure and function (PolyPhen-2) suggests that this variant is likely to be disruptive. In summary, the available evidence is currently insufficient to determine the role of this variant in disease. Therefore, it has been classified as a Variant of Uncertain Significance.